The following is an entry in ClinVar:

ClinVar aggregate classification (germline): Uncertain significance (1 of 4 stars; one submission).

Allele frequency attached by ClinVar (database versions not stated): gnomAD 0.00002; TOPMed 0.00002.
gnomAD v4.1: 2 of 1,205,385 alleles (0.00017%); highest among the groups gnomAD compares: African/African-American, 0.0035%; no homozygotes.

Submission:

Labcorp Genetics (formerly Invitae), Labcorp
Classification: Uncertain significance. Last evaluated: 2023-04-24. Review status: criteria provided, single submitter. Criteria: Invitae Variant Classification Sherloc (09022015). Collection method: clinical testing. Allele origin: germline.
Comment: In summary, the available evidence is currently insufficient to determine the role of this variant in disease. Therefore, it has been classified as a Variant of Uncertain Significance. An algorithm developed to predict the effect of missense changes on protein structure and function (PolyPhen-2) suggests that this variant is likely to be disruptive. This sequence change replaces serine, which is neutral and polar, with glycine, which is neutral and non-polar, at codon 147 of the NSDHL protein (p.Ser147Gly). This variant is not present in population databases (gnomAD no frequency). This variant has not been reported in the literature in individuals affected with NSDHL-related conditions. ClinVar contains an entry for this variant (Variation ID: 1518209).

NM_015922.3(NSDHL):c.439A>G (p.Ser147Gly)

Gene: NSDHL (NAD(P) dependent 3-beta-hydroxysteroid dehydrogenase NSDHL; plus strand). Cytogenetic location: Xq28.
Variant type: single nucleotide variant.
Coding change: c.439A>G on transcript NM_015922.3 (MANE Select); coding-DNA position 439, A replaced by G.
Protein change: p.Ser147Gly; replaces serine 147 with glycine.
Molecular consequence: missense variant.
Genome position (GRCh38, 1-based): chrX:152,862,620, A>G. VCF-style: chrX-152862620-A-G. GRCh37 (hg19) VCF-style: chrX-152031164-A-G.
Other names: c.439A>G, p.Ser147Gly (NM_001129765.2); short protein forms S147G.
Identifiers: ClinVar variation 1518209 (VCV001518209.6), dbSNP rs1295227788, ClinGen allele CA415285162.